The following is an entry in ClinVar:

NM_001165963.4(SCN1A):c.4360G>A (p.Glu1454Lys)

Genes: SCN1A (sodium voltage-gated channel alpha subunit 1; minus strand), LOC102724058 (uncharacterized LOC102724058; plus strand). Cytogenetic location: 2q24.3.
Variant type: single nucleotide variant.
Coding change: c.4360G>A on transcript NM_001165963.4 (MANE Select); coding-DNA position 4360, G replaced by A.
Protein change: p.Glu1454Lys; replaces glutamic acid 1454 with lysine.
Molecular consequence: missense variant. On other transcripts: non-coding transcript variant (1).
Genome position (GRCh38, 1-based): chr2:165,998,154, C>T on the plus strand (G>A on the coding strand, the complement: SCN1A is on the minus strand). VCF-style: chr2-165998154-C-T. GRCh37 (hg19) VCF-style: chr2-166854664-C-T.
Other names: c.4276G>A, p.Glu1426Lys (NM_001165964.3, NM_001353957.2, NM_001353958.2); c.4360G>A, p.Glu1454Lys (NM_001202435.3, NM_001353948.2); c.4327G>A, p.Glu1443Lys (NM_001353949.2, NM_001353950.2, NM_001353951.2 and 2 more transcripts); c.4324G>A, p.Glu1442Lys (NM_001353954.2, NM_001353955.2); c.4273G>A, p.Glu1425Lys (NM_001353960.2); c.1918G>A, p.Glu640Lys (NM_001353961.2); short protein forms E1443K, E1454K, E1425K, E1426K, E640K, E1442K.
Identifiers: ClinVar variation 1453277 (VCV001453277.7), dbSNP rs1553522472, ClinGen allele CA317459.

ClinVar aggregate classification (germline): Pathogenic (1 of 4 stars; one submission).

Conditions:
Early-infantile DEE. Also called: Early infantile epileptic encephalopathy; Ohtahara syndrome; Early infantile epileptic encephalopathy with suppression bursts. Identifiers: Orphanet 1934, MedGen C0393706, MONDO:0800491.

Submission:

Labcorp Genetics (formerly Invitae), Labcorp
Classification: Pathogenic for Early-infantile DEE. Last evaluated: 2021-10-08. Review status: criteria provided, single submitter. Criteria: Invitae Variant Classification Sherloc (09022015). Collection method: clinical testing. Allele origin: germline.
Comment: For these reasons, this variant has been classified as Pathogenic. Advanced modeling of protein sequence and biophysical properties (such as structural, functional, and spatial information, amino acid conservation, physicochemical variation, residue mobility, and thermodynamic stability) performed at Invitae indicates that this missense variant is expected to disrupt SCN1A protein function. This missense change has been observed in individual(s) with Dravet syndrome (PMID: 21248271). In at least one individual the variant was observed to be de novo. This variant is not present in population databases (ExAC no frequency). This sequence change replaces glutamic acid with lysine at codon 1454 of the SCN1A protein (p.Glu1454Lys). The glutamic acid residue is highly conserved and there is a small physicochemical difference between glutamic acid and lysine.

Literature cited by the submitters: PubMed 21248271.